The following is an entry in ClinVar:

NM_000271.5(NPC1):c.232C>T (p.Arg78Trp)

Gene: NPC1 (NPC intracellular cholesterol transporter 1; minus strand). Cytogenetic location: 18q11.2.
Variant type: single nucleotide variant.
Coding change: c.232C>T on transcript NM_000271.5 (MANE Select); coding-DNA position 232, C replaced by T.
Protein change: p.Arg78Trp; replaces arginine 78 with tryptophan.
Molecular consequence: missense variant.
Genome position (GRCh38, 1-based): chr18:23,572,129, G>A on the plus strand (C>T on the coding strand, the complement: NPC1 is on the minus strand). VCF-style: chr18-23572129-G-A. GRCh37 (hg19) VCF-style: chr18-21152093-G-A.
Other names: short protein forms R78W.
Identifiers: ClinVar variation 954808 (VCV000954808.7), dbSNP rs766822145, ClinGen allele CA8913787.
Genomic context (GRCh38, chr18:23,572,129, plus strand): 5'-CCTACCTGGACAGAAACTGTAGAGGCAGCTGCAGGTTGTCTTTTAGTGTCTGAAGCTGCC[G>A]AACATCACAACAGAGACTGACATTGCCAAAGAAGAATCCTGGACAGAGTTCCTTTCAGGT-3'
Protein context (NP_000262.2, residues 68-88): FGNVSLCCDV[Arg78Trp]QLQTLKDNLQ

ClinVar aggregate classification (germline): Uncertain significance. Review status: criteria provided, single submitter (1 of 4 stars). 2 submissions from 2 submitters: Uncertain significance (1). 1 of the submissions does not count toward it. Last evaluated 2022-10-27.

Conditions:
Niemann-Pick disease, type C1. Also called: NEUROVISCERAL STORAGE DISEASE WITH VERTICAL SUPRANUCLEAR OPHTHALMOPLEGIA; NIEMANN-PICK DISEASE WITH CHOLESTEROL ESTERIFICATION BLOCK; NIEMANN-PICK DISEASE WITHOUT SPHINGOMYELINASE DEFICIENCY; NIEMANN-PICK DISEASE, CHRONIC NEURONOPATHIC FORM; NIEMANN-PICK DISEASE, VARIANT TYPE C1. Identifiers: Orphanet 646, MedGen C3179455, MONDO:0009757, OMIM 257220.

Allele frequency attached by ClinVar (database versions not stated): ExAC 0.00002; gnomAD exomes 0.00002; gnomAD 0.00003; TOPMed 0.00003.
gnomAD v4.1: 31 of 1,613,638 alleles (0.0019%); highest among the groups gnomAD compares: East Asian, 0.018%; no homozygotes.

Submissions (2):

Labcorp Genetics (formerly Invitae), Labcorp
Classification: Uncertain significance for Niemann-Pick disease, type C1. Last evaluated: 2022-10-27. Review status: criteria provided, single submitter. Criteria: Invitae Variant Classification Sherloc (09022015). Collection method: clinical testing. Allele origin: germline.
Comment: This sequence change replaces arginine, which is basic and polar, with tryptophan, which is neutral and slightly polar, at codon 78 of the NPC1 protein (p.Arg78Trp). This variant is present in population databases (rs766822145, gnomAD 0.01%). This variant has not been reported in the literature in individuals affected with NPC1-related conditions. ClinVar contains an entry for this variant (Variation ID: 954808). Advanced modeling of protein sequence and biophysical properties (such as structural, functional, and spatial information, amino acid conservation, physicochemical variation, residue mobility, and thermodynamic stability) has been performed at Invitae for this missense variant, however the output from this modeling did not meet the statistical confidence thresholds required to predict the impact of this variant on NPC1 protein function. In summary, the available evidence is currently insufficient to determine the role of this variant in disease. Therefore, it has been classified as a Variant of Uncertain Significance.

Natera, Inc.
Classification: Uncertain significance for Niemann-Pick disease type C1. Last evaluated: 2020-03-04. Review status: no assertion criteria provided. Collection method: clinical testing. Allele origin: germline. Not counted in ClinVar's aggregate classification.